The following is an entry in ClinVar:

ClinVar aggregate classification (germline): Uncertain significance (1 of 4 stars; one submission).

Allele frequency attached by ClinVar (database versions not stated): TOPMed below 0.00001.

Submission:

Ambry Genetics
Classification: Uncertain significance. Last evaluated: 2023-02-17. Review status: criteria provided, single submitter. Criteria: Ambry Variant Classification Scheme 2023. Collection method: clinical testing. Allele origin: germline.
Comment: The p.P687L variant (also known as c.2060C>T), located in coding exon 1 of the MLH3 gene, results from a C to T substitution at nucleotide position 2060. The proline at codon 687 is replaced by leucine, an amino acid with similar properties. This amino acid position is conserved. In addition, this alteration is predicted to be tolerated by in silico analysis. Since supporting evidence is limited at this time, the clinical significance of this alteration remains unclear.

NM_001040108.2(MLH3):c.2060C>T (p.Pro687Leu)

Gene: MLH3 (mutL homolog 3; minus strand). Cytogenetic location: 14q24.3.
Variant type: single nucleotide variant.
Coding change: c.2060C>T on transcript NM_001040108.2 (MANE Select); coding-DNA position 2060, C replaced by T.
Protein change: p.Pro687Leu; replaces proline 687 with leucine.
Molecular consequence: missense variant.
Genome position (GRCh38, 1-based): chr14:75,047,596, G>A on the plus strand (C>T on the coding strand, the complement: MLH3 is on the minus strand). VCF-style: chr14-75047596-G-A. GRCh37 (hg19) VCF-style: chr14-75514299-G-A.
Other names: c.2060C>T, p.Pro687Leu (NM_014381.3); short protein forms P687L.
Identifiers: ClinVar variation 2448667 (VCV002448667.2), dbSNP rs1487591926, ClinGen allele CA390443210.